The following is an entry in ClinVar:

ClinVar aggregate classification (germline): Uncertain significance (1 of 4 stars; one submission).

Conditions:
Primary ciliary dyskinesia. Also called: Ciliary dyskinesia. Identifiers: Orphanet 244, MedGen C0008780, MONDO:0016575, HP:0012265.

Submission:

Labcorp Genetics (formerly Invitae), Labcorp
Classification: Uncertain significance for Primary ciliary dyskinesia. Last evaluated: 2024-09-30. Review status: criteria provided, single submitter. Criteria: Invitae Variant Classification Sherloc (09022015). Collection method: clinical testing. Allele origin: germline.
Comment: This sequence change replaces alanine, which is neutral and non-polar, with threonine, which is neutral and polar, at codon 3358 of the DNAH11 protein (p.Ala3358Thr). This variant is not present in population databases (gnomAD no frequency). This variant has not been reported in the literature in individuals affected with DNAH11-related conditions. Invitae Evidence Modeling of protein sequence and biophysical properties (such as structural, functional, and spatial information, amino acid conservation, physicochemical variation, residue mobility, and thermodynamic stability) indicates that this missense variant is not expected to disrupt DNAH11 protein function with a negative predictive value of 95%. In summary, the available evidence is currently insufficient to determine the role of this variant in disease. Therefore, it has been classified as a Variant of Uncertain Significance.

NM_001277115.2(DNAH11):c.10072G>A (p.Ala3358Thr)

Gene: DNAH11 (dynein axonemal heavy chain 11; plus strand). Cytogenetic location: 7p15.3.
Variant type: single nucleotide variant.
Coding change: c.10072G>A on transcript NM_001277115.2 (MANE Select); coding-DNA position 10072, G replaced by A.
Protein change: p.Ala3358Thr; replaces alanine 3358 with threonine.
Molecular consequence: missense variant.
Genome position (GRCh38, 1-based): chr7:21,801,182, G>A. VCF-style: chr7-21801182-G-A. GRCh37 (hg19) VCF-style: chr7-21840800-G-A.
Other names: short protein forms A3358T.
Identifiers: ClinVar variation 3696036 (VCV003696036.2).